The following is an entry in ClinVar:

NM_015072.5(TTLL5):c.2515+1G>C

Gene: TTLL5 (tubulin tyrosine ligase like 5; plus strand). Cytogenetic location: 14q24.3.
Variant type: single nucleotide variant.
Coding change: c.2515+1G>C on transcript NM_015072.5 (MANE Select); the canonical splice donor site of the intron after coding-DNA position 2515, G replaced by C.
Molecular consequence: splice donor variant.
Genome position (GRCh38, 1-based): chr14:75,779,703, G>C. VCF-style: chr14-75779703-G-C. GRCh37 (hg19) VCF-style: chr14-76246046-G-C.
Identifiers: ClinVar variation 2100221 (VCV002100221.4), dbSNP rs2503294089, ClinGen allele CA390470588.

ClinVar aggregate classification (germline): Likely pathogenic (1 of 4 stars; one submission).

Submission:

Labcorp Genetics (formerly Invitae), Labcorp
Classification: Likely pathogenic. Last evaluated: 2022-02-20. Review status: criteria provided, single submitter. Criteria: Invitae Variant Classification Sherloc (09022015). Collection method: clinical testing. Allele origin: germline.
Comment: In summary, the currently available evidence indicates that the variant is pathogenic, but additional data are needed to prove that conclusively. Therefore, this variant has been classified as Likely Pathogenic. Algorithms developed to predict the effect of sequence changes on RNA splicing suggest that this variant may disrupt the consensus splice site. This variant has not been reported in the literature in individuals affected with TTLL5-related conditions. This variant is not present in population databases (gnomAD no frequency). This sequence change affects a donor splice site in intron 24 of the TTLL5 gene. It is expected to disrupt RNA splicing. Variants that disrupt the donor or acceptor splice site typically lead to a loss of protein function (PMID: 16199547), and loss-of-function variants in TTLL5 are known to be pathogenic (PMID: 24791901, 27162334).

Literature cited by the submitters: PubMed 16199547; PubMed 24791901; PubMed 27162334.